The following is an entry in ClinVar:

NM_000179.3(MSH6):c.2860T>C (p.Tyr954His)

Gene: MSH6 (mutS homolog 6; plus strand). Cytogenetic location: 2p16.3.
Variant type: single nucleotide variant.
Coding change: c.2860T>C on transcript NM_000179.3 (MANE Select); coding-DNA position 2860, T replaced by C.
Protein change: p.Tyr954His; replaces tyrosine 954 with histidine.
Molecular consequence: missense variant.
Genome position (GRCh38, 1-based): chr2:47,800,843, T>C. VCF-style: chr2-47800843-T-C. GRCh37 (hg19) VCF-style: chr2-48027982-T-C.
Other names: c.2470T>C, p.Tyr824His (NM_001281492.2); c.1954T>C, p.Tyr652His (NM_001281493.2, NM_001281494.2); short protein forms Y954H, Y652H, Y824H.
Identifiers: ClinVar variation 940201 (VCV000940201.10), dbSNP rs1669520283, ClinGen allele CA346755921.
Genomic context (GRCh38, chr2:47,800,843, plus strand): 5'-GACTCTGATTATGACCAAGCTCTTGCTGACATAAGAGAAAATGAACAGAGCCTCCTGGAA[T>C]ACCTAGAGAAACAGCGCAACAGAATTGGCTGTAGGACCATAGTCTATTGGGGGATTGGTA-3'
Protein context (NP_000170.1, residues 944-964): IRENEQSLLE[Tyr954His]LEKQRNRIGC

ClinVar aggregate classification (germline): Uncertain significance (1 of 4 stars; one submission).

Conditions:
Hereditary nonpolyposis colorectal neoplasms. Identifiers: MedGen C0009405, MeSH D003123.

Submission:

Labcorp Genetics (formerly Invitae), Labcorp
Classification: Uncertain significance for Hereditary nonpolyposis colorectal neoplasms. Last evaluated: 2019-07-30. Review status: criteria provided, single submitter. Criteria: Invitae Variant Classification Sherloc (09022015). Collection method: clinical testing. Allele origin: germline.
Comment: Algorithms developed to predict the effect of missense changes on protein structure and function (SIFT, PolyPhen-2, Align-GVGD) all suggest that this variant is likely to be disruptive, but these predictions have not been confirmed by published functional studies and their clinical significance is uncertain. This variant has not been reported in the literature in individuals with MSH6-related conditions. This variant is not present in population databases (ExAC no frequency). In summary, the available evidence is currently insufficient to determine the role of this variant in disease. Therefore, it has been classified as a Variant of Uncertain Significance. This sequence change replaces tyrosine with histidine at codon 954 of the MSH6 protein (p.Tyr954His). The tyrosine residue is highly conserved and there is a moderate physicochemical difference between tyrosine and histidine.